The following is an entry in ClinVar:

NM_001130987.2(DYSF):c.1806+265C>T

Gene: DYSF (dysferlin; plus strand). Cytogenetic location: 2p13.2.
Variant type: single nucleotide variant.
Coding change: c.1806+265C>T on transcript NM_001130987.2 (MANE Select); 265 bases into the intron after coding-DNA position 1806, C replaced by T.
Molecular consequence: intron variant.
Genome position (GRCh38, 1-based): chr2:71,551,985, C>T. VCF-style: chr2-71551985-C-T. GRCh37 (hg19) VCF-style: chr2-71779115-C-T.
Other names: c.1845+265C>T (NM_001130979.2); c.1803+265C>T (NM_001130981.2, NM_001130980.2); c.1752+265C>T (NM_001130978.2, NM_003494.4); c.1710+265C>T (NM_001130977.2, NM_001130976.2); c.1848+265C>T (NM_001130982.2); c.1806+265C>T (NM_001130985.2); c.1755+265C>T (NM_001130983.2, NM_001130455.2); c.1713+265C>T (NM_001130984.2, NM_001130986.2).
Identifiers: ClinVar variation 671374 (VCV000671374.1), dbSNP rs11690146, ClinGen allele CA15223400.
Genomic context (GRCh38, chr2:71,551,985, plus strand): 5'-GGCTCAGAGAAGATAAATGAAAATATTCAAAAAGTCTAGAGCTTGATGCAAAATGAGATG[C>T]GATTTTATATTAATAACATAAGGATAGCTAACTGTTAAGTCAAATAAGCACTGAACATGT-3'

ClinVar aggregate classification (germline): Benign (1 of 4 stars; one submission).

Allele frequency attached by ClinVar (database versions not stated): 1000 Genomes Project 0.10304; 1000 Genomes Project 30x 0.10790; gnomAD 0.12919 and 0.13358; TOPMed 0.13211.
gnomAD v4.1: 19,642 of 152,176 alleles (13%); highest among the groups gnomAD compares: African/African-American, 19%; 1,461 homozygotes.

Submission:

GeneDx
Classification: Benign. Last evaluated: 2018-06-14. Review status: criteria provided, single submitter. Criteria: GeneDx Variant Classification (06012015). Collection method: clinical testing. Allele origin: germline. Affected: yes.
Comment: This variant is considered likely benign or benign based on one or more of the following criteria: it is a conservative change, it occurs at a poorly conserved position in the protein, it is predicted to be benign by multiple in silico algorithms, and/or has population frequency not consistent with disease.